The following is an entry in ClinVar:

NM_004006.3(DMD):c.9808-1G>T

Gene: DMD (dystrophin; minus strand). Cytogenetic location: Xp21.2.
Variant type: single nucleotide variant.
Coding change: c.9808-1G>T on transcript NM_004006.3 (MANE Select); the canonical splice acceptor site of the intron before coding-DNA position 9808, G replaced by T.
Molecular consequence: splice acceptor variant.
Genome position (GRCh38, 1-based): chrX:31,182,905, C>A on the plus strand (G>T on the coding strand, the complement: DMD is on the minus strand). VCF-style: chrX-31182905-C-A. GRCh37 (hg19) VCF-style: chrX-31201022-C-A.
Other names: c.9784-1G>T (NM_000109.4); c.5785-1G>T (NM_004011.4); c.5776-1G>T (NM_004012.4); c.2428-1G>T (NM_004023.3, NM_004020.4, NM_004022.3 and 2 more transcripts); c.1621-1G>T (NM_004014.3); c.604-1G>T (NM_004018.3, NM_004017.3, NM_004016.3 and 2 more transcripts); c.9796-1G>T (NM_004009.3); c.9439-1G>T (NM_004010.3).
Identifiers: ClinVar variation 2808476 (VCV002808476.3), dbSNP rs2148335739, ClinGen allele CA412653709.

ClinVar aggregate classification (germline): Pathogenic (1 of 4 stars; one submission).

Conditions:
Duchenne muscular dystrophy (DMD). Also called: MUSCULAR DYSTROPHY, PSEUDOHYPERTROPHIC PROGRESSIVE, DUCHENNE TYPE; Duchenne Muscular Dystrophy (DMD). Identifiers: Orphanet 98896, MedGen C0013264, MONDO:0010679, OMIM 310200.

Submission:

Labcorp Genetics (formerly Invitae), Labcorp
Classification: Pathogenic for Duchenne muscular dystrophy. Last evaluated: 2023-04-24. Review status: criteria provided, single submitter. Criteria: Invitae Variant Classification Sherloc (09022015). Collection method: clinical testing. Allele origin: germline.
Comment: For these reasons, this variant has been classified as Pathogenic. Algorithms developed to predict the effect of sequence changes on RNA splicing suggest that this variant may disrupt the consensus splice site. Disruption of this splice site has been observed in individuals with DMD-related conditions (PMID: 17726484, 32194622). This variant is not present in population databases (gnomAD no frequency). This sequence change affects an acceptor splice site in intron 67 of the DMD gene. It is expected to disrupt RNA splicing. Variants that disrupt the donor or acceptor splice site typically lead to a loss of protein function (PMID: 16199547), and loss-of-function variants in DMD are known to be pathogenic (PMID: 16770791, 25007885).

Literature cited by the submitters: PubMed 17726484; PubMed 32194622; PubMed 16199547; PubMed 16770791; PubMed 25007885.